The following is an entry in ClinVar:

ClinVar aggregate classification (germline): Benign/Likely benign. Review status: criteria provided, multiple submitters, no conflicts (2 of 4 stars). 3 submissions from 3 submitters: Benign (1); Likely benign (2). Last evaluated 2025-12-19.

Conditions:
Severe X-linked myotubular myopathy (CNMX). Also called: MYOTUBULAR MYOPATHY 1; Myotubular myopathy, X-linked; X-linked centronuclear myopathy. Identifiers: Orphanet 596, MedGen C0410203, MONDO:0010683, OMIM 310400.

Allele frequency attached by ClinVar (database versions not stated): gnomAD exomes 0.00012; 1000 Genomes Project 30x 0.00021; ExAC 0.00021; 1000 Genomes Project 0.00026; gnomAD 0.00048 and 0.00051; TOPMed 0.00048; ESP Exome Variant Server 0.00057.
gnomAD v4.1: 111 of 1,197,278 alleles (0.0093%); highest among the groups gnomAD compares: African/African-American, 0.17%; no homozygotes.

Submissions (3):

Labcorp Genetics (formerly Invitae), Labcorp
Classification: Benign for Severe X-linked myotubular myopathy. Last evaluated: 2025-12-19. Review status: criteria provided, single submitter. Criteria: Invitae Variant Classification Sherloc (09022015). Collection method: clinical testing. Allele origin: germline.

Blueprint Genetics
Classification: Likely benign. Last evaluated: 2021-10-28. Review status: criteria provided, single submitter. Criteria: ACMG Guidelines, 2015. Collection method: clinical testing. Allele origin: germline.

GeneDx
Classification: Likely benign. Last evaluated: 2018-05-17. Review status: criteria provided, single submitter. Criteria: GeneDx Variant Classification (06012015). Collection method: clinical testing. Allele origin: germline. Affected: yes.
Comment: This variant is considered likely benign or benign based on one or more of the following criteria: it is a conservative change, it occurs at a poorly conserved position in the protein, it is predicted to be benign by multiple in silico algorithms, and/or has population frequency not consistent with disease.

NM_000252.3(MTM1):c.867+13A>C

Gene: MTM1 (myotubularin 1; plus strand). Cytogenetic location: Xq28.
Variant type: single nucleotide variant.
Coding change: c.867+13A>C on transcript NM_000252.3 (MANE Select); 13 bases into the intron after coding-DNA position 867, A replaced by C.
Molecular consequence: intron variant.
Genome position (GRCh38, 1-based): chrX:150,645,884, A>C. VCF-style: chrX-150645884-A-C. GRCh37 (hg19) VCF-style: chrX-149814357-A-C.
Other names: c.867+13A>C (NM_001376908.1, NM_001376906.1); c.756+13A>C (NM_001376907.1).
Identifiers: ClinVar variation 668463 (VCV000668463.10), dbSNP rs368954714, ClinGen allele CA10539170.
Genomic context (GRCh38, chrX:150,645,884, plus strand): 5'-CTCACCATTTATGATGCAAGACCCAGCGTAAATGCAGTGGCCAACAAGGTGAGTGGACTT[A>C]ATGATGTGCTGGACACTTAGCTTACATATGGAGTGCAGTGTTTTCTGTGAATGTTTTTGC-3'